The following is an entry in ClinVar:

NM_021098.3(CACNA1H):c.3391C>G (p.Pro1131Ala)

Gene: CACNA1H (calcium voltage-gated channel subunit alpha1 H; plus strand). Cytogenetic location: 16p13.3.
Variant type: single nucleotide variant.
Coding change: c.3391C>G on transcript NM_021098.3 (MANE Select); coding-DNA position 3391, C replaced by G.
Protein change: p.Pro1131Ala; replaces proline 1131 with alanine.
Molecular consequence: missense variant.
Genome position (GRCh38, 1-based): chr16:1,209,059, C>G. VCF-style: chr16-1209059-C-G. GRCh37 (hg19) VCF-style: chr16-1259059-C-G.
Other names: c.3391C>G, p.Pro1131Ala (NM_001005407.2); short protein forms P1131A.
Identifiers: ClinVar variation 1519811 (VCV001519811.8), dbSNP rs377297229, ClinGen allele CA394173263.

ClinVar aggregate classification (germline): Uncertain significance (1 of 4 stars; one submission).

Conditions:
Hyperaldosteronism, familial, type IV (HALD4). Also called: FH IV; ALDOSTERONISM, PRIMARY, AND HYPERTENSION. Identifiers: Orphanet 642671, MedGen C4310756, MONDO:0014875, OMIM 617027.
Idiopathic generalized epilepsy. Also called: Generalised epilepsy; EIG. Identifiers: MedGen C0270850, MONDO:0005579, OMIM 600669.

Submission:

Labcorp Genetics (formerly Invitae), Labcorp
Classification: Uncertain significance for Idiopathic generalized epilepsy; Hyperaldosteronism, familial, type IV. Last evaluated: 2021-03-25. Review status: criteria provided, single submitter. Criteria: Invitae Variant Classification Sherloc (09022015). Collection method: clinical testing. Allele origin: germline.
Comment: Advanced modeling of protein sequence and biophysical properties (such as structural, functional, and spatial information, amino acid conservation, physicochemical variation, residue mobility, and thermodynamic stability) performed at Invitae indicates that this missense variant is not expected to disrupt CACNA1H protein function. In summary, the available evidence is currently insufficient to determine the role of this variant in disease. Therefore, it has been classified as a Variant of Uncertain Significance. This variant has not been reported in the literature in individuals with CACNA1H-related conditions. The frequency data for this variant in the population databases is considered unreliable, as metrics indicate insufficient coverage at this position in the ExAC database. This sequence change replaces proline with alanine at codon 1131 of the CACNA1H protein (p.Pro1131Ala). The proline residue is moderately conserved and there is a small physicochemical difference between proline and alanine.